The following is an entry in ClinVar:

ClinVar aggregate classification (germline): Uncertain significance (1 of 4 stars; one submission).

gnomAD v4.1: 19 of 1,613,840 alleles (0.0012%); highest among the groups gnomAD compares: Admixed American, 0.0033%; no homozygotes.

Submission:

Labcorp Genetics (formerly Invitae), Labcorp
Classification: Uncertain significance. Last evaluated: 2022-09-27. Review status: criteria provided, single submitter. Criteria: Invitae Variant Classification Sherloc (09022015). Collection method: clinical testing. Allele origin: germline.
Comment: This sequence change replaces proline, which is neutral and non-polar, with leucine, which is neutral and non-polar, at codon 4378 of the LRP2 protein (p.Pro4378Leu). This variant is present in population databases (rs746070288, gnomAD 0.003%). This variant has not been reported in the literature in individuals affected with LRP2-related conditions. ClinVar contains an entry for this variant (Variation ID: 1398375). Advanced modeling of protein sequence and biophysical properties (such as structural, functional, and spatial information, amino acid conservation, physicochemical variation, residue mobility, and thermodynamic stability) performed at Invitae indicates that this missense variant is not expected to disrupt LRP2 protein function. In summary, the available evidence is currently insufficient to determine the role of this variant in disease. Therefore, it has been classified as a Variant of Uncertain Significance.

NM_004525.3(LRP2):c.13133C>T (p.Pro4378Leu)

Gene: LRP2 (LDL receptor related protein 2; minus strand). Cytogenetic location: 2q31.1.
Variant type: single nucleotide variant.
Coding change: c.13133C>T on transcript NM_004525.3 (MANE Select); coding-DNA position 13133, C replaced by T.
Protein change: p.Pro4378Leu; replaces proline 4378 with leucine.
Molecular consequence: missense variant.
Genome position (GRCh38, 1-based): chr2:169,140,521, G>A on the plus strand (C>T on the coding strand, the complement: LRP2 is on the minus strand). VCF-style: chr2-169140521-G-A. GRCh37 (hg19) VCF-style: chr2-169997031-G-A.
Other names: short protein forms P4378L.
Identifiers: ClinVar variation 1398375 (VCV001398375.3), dbSNP rs746070288, ClinGen allele CA1952646.